The following is an entry in ClinVar:

NM_000037.4(ANK1):c.409C>T (p.Gln137Ter)

Gene: ANK1 (ankyrin 1; minus strand). Cytogenetic location: 8p11.21.
Variant type: single nucleotide variant.
Coding change: c.409C>T on transcript NM_000037.4 (MANE Select); coding-DNA position 409, C replaced by T.
Protein change: p.Gln137Ter; replaces glutamine 137 with a stop codon.
Molecular consequence: nonsense.
Genome position (GRCh38, 1-based): chr8:41,727,267, G>A on the plus strand (C>T on the coding strand, the complement: ANK1 is on the minus strand). VCF-style: chr8-41727267-G-A. GRCh37 (hg19) VCF-style: chr8-41584785-G-A.
Other names: p.Gln137*; c.508C>T, p.Gln170Ter (NM_001142446.2); c.409C>T, p.Gln137Ter (NM_020475.3, NM_020476.3, NM_020477.3); short protein forms Q137*, Q170*.
Identifiers: ClinVar variation 1330914 (VCV001330914.13), dbSNP rs2150661792, ClinGen allele CA371045029.

ClinVar aggregate classification (germline): Pathogenic/Likely pathogenic. Review status: criteria provided, multiple submitters, no conflicts (2 of 4 stars). 4 submissions from 4 submitters: Pathogenic (2); Likely pathogenic (2). Last evaluated 2023-05-10.

Conditions:
Hereditary spherocytosis type 1. Also called: Spherocytosis type 1; ANK1-Related Spherocytosis. Identifiers: Orphanet 822, MedGen C2674218, MONDO:0008447, OMIM 182900.

Submissions (4):

Mayo Clinic Laboratories, Mayo Clinic
Classification: Likely pathogenic. Last evaluated: 2023-05-10. Review status: criteria provided, single submitter. Criteria: ACMG Guidelines, 2015. Collection method: clinical testing. Allele origin: germline. Observed: 1 variant allele.
Comment: PM2, PVS1

Labcorp Genetics (formerly Invitae), Labcorp
Classification: Pathogenic. Last evaluated: 2022-12-01. Review status: criteria provided, single submitter. Criteria: Invitae Variant Classification Sherloc (09022015). Collection method: clinical testing. Allele origin: germline.
Comment: For these reasons, this variant has been classified as Pathogenic. ClinVar contains an entry for this variant (Variation ID: 1330914). This variant has not been reported in the literature in individuals affected with ANK1-related conditions. This variant is not present in population databases (gnomAD no frequency). This sequence change creates a premature translational stop signal (p.Gln137*) in the ANK1 gene. It is expected to result in an absent or disrupted protein product. Loss-of-function variants in ANK1 are known to be pathogenic (PMID: 8640229).

Revvity Omics, Revvity
Classification: Likely pathogenic for Hereditary spherocytosis type 1. Last evaluated: 2022-10-10. Review status: criteria provided, single submitter. Criteria: ACMG Guidelines, 2015. Collection method: clinical testing. Allele origin: germline.

ARUP Laboratories, Molecular Genetics and Genomics, ARUP Laboratories
Classification: Pathogenic for Hereditary spherocytosis type 1. Last evaluated: 2021-07-16. Review status: criteria provided, single submitter. Criteria: ARUP Molecular Germline Variant Investigation Process 2021. Collection method: clinical testing. Allele origin: germline.

Literature cited by the submitters: PubMed 8640229 (cited by Labcorp Genetics (formerly Invitae), Labcorp).